The following is an entry in ClinVar:

NM_003000.3(SDHB):c.666_667del (p.Arg223_Asp224insTer)

Gene: SDHB (succinate dehydrogenase complex iron sulfur subunit B; minus strand). Cytogenetic location: 1p36.13.
Variant type: Deletion.
Coding change: c.666_667del on transcript NM_003000.3 (MANE Select); coding-DNA positions 666 to 667, 2 bases deleted (CA; older notation c.666_667delCA).
Protein change: p.Arg223_Asp224insTer.
Molecular consequence: frameshift variant. On other transcripts: nonsense (1).
Genome position (GRCh38, 1-based): chr1:17,022,706-17,022,707, TG deleted on the plus strand (CA on the coding strand, the reverse complement: SDHB is on the minus strand). VCF-style (leftmost placement, unchanged base first): chr1-17022705-CTG-C. GRCh37 (hg19) VCF-style: chr1-17349200-CTG-C.
Other names: c.612_613delCA, p.Asp206Terfs (NM_001407361.1).
Identifiers: ClinVar variation 2032357 (VCV002032357.4), dbSNP rs2525004279, ClinGen allele CA2580060622.

ClinVar aggregate classification (germline): Pathogenic (1 of 4 stars; one submission).

Conditions:
Pheochromocytoma. Also called: MAX-Related Hereditary Paraganglioma-Pheochromocytoma Syndrome. Identifiers: Orphanet 29072, MedGen C0031511, MONDO:0008233, OMIM 171300, HP:0002666.
Gastrointestinal stromal tumor. Also called: Gastrointestinal stroma tumor; Gastrointestinal stromal tumor, somatic. Identifiers: Orphanet 44890, MedGen C0238198, MeSH D046152, MONDO:0011719, OMIM 606764, HP:0100723.
Pheochromocytoma/paraganglioma syndrome 4. Also called: CAROTID BODY TUMORS AND MULTIPLE EXTRAADRENAL PHEOCHROMOCYTOMAS; PARAGANGLIOMA, FAMILIAL MALIGNANT; PARAGANGLIOMAS, HEREDITARY EXTRAADRENAL; PHEOCHROMOCYTOMA, FAMILIAL EXTRAADRENAL; Paragangliomas 4; SDHB-Related Hereditary Paraganglioma-Pheochromocytoma Syndrome (Paragangliomas 4). Identifiers: Orphanet 29072, MedGen C1861848, MONDO:0007273, OMIM 115310.

Submission:

Labcorp Genetics (formerly Invitae), Labcorp
Classification: Pathogenic for Gastrointestinal stromal tumor; Pheochromocytoma/paraganglioma syndrome 4; Pheochromocytoma. Last evaluated: 2022-09-24. Review status: criteria provided, single submitter. Criteria: Invitae Variant Classification Sherloc (09022015). Collection method: clinical testing. Allele origin: germline.
Comment: This sequence change creates a premature translational stop signal (p.Asp224*) in the SDHB gene. It is expected to result in an absent or disrupted protein product. Loss-of-function variants in SDHB are known to be pathogenic (PMID: 19454582, 19802898). This variant is not present in population databases (gnomAD no frequency). This variant has not been reported in the literature in individuals affected with SDHB-related conditions. For these reasons, this variant has been classified as Pathogenic.

Literature cited by the submitters: PubMed 19454582; PubMed 19802898.